The following is an entry in ClinVar:

NM_001267550.2(TTN):c.914+14AG[2]

Gene: TTN (titin; minus strand). Cytogenetic location: 2q31.2.
Variant type: Microsatellite.
Coding change: c.914+14AG[2] on transcript NM_001267550.2 (MANE Select); two copies in a row of the 2-base unit AG starting at c.914+14; the reference has four copies in a row; two copies, 4 bases deleted.
Molecular consequence: intron variant.
Genome position (GRCh38, 1-based): chr2:178,799,466-178,799,469, CTCT deleted on the plus strand (AGAG on the coding strand, the reverse complement: TTN is on the minus strand); deleting any 4 consecutive bases within chr2:178,799,466-178,799,473 gives the same sequence; the position shown is the placement nearest the transcript's 3' end. VCF-style (leftmost placement, unchanged base first): chr2-178799465-GCTCT-G. GRCh37 (hg19) VCF-style: chr2-179664192-GCTCT-G.
Other names: c.914+18_914+21delAGAG (NM_133378.4); c.914+14AG[2] (NM_003319.4, NM_133437.4, NM_133432.3 and 3 more transcripts).
Identifiers: ClinVar variation 3762623 (VCV003762623.3).
Genomic context (GRCh38, chr2:178,799,465, plus strand): 5'-CGAGGGGGACAAGGGAATCTTTCTCGTTTCAAAACCTAGTTCCAAAATGTGCAATAATCT[GCTCT>G]CTCTATGGCAGCTTTACCTGACCGGAGATGGGGTCGGTGCCCGCACGTGTCTGACCGGGG-3'

ClinVar aggregate classification (germline): Likely benign. Review status: criteria provided, multiple submitters, no conflicts (2 of 4 stars). 2 submissions from 2 submitters: Likely benign (2). Last evaluated 2025-09-08.

Conditions:
Autosomal recessive limb-girdle muscular dystrophy type 2J (LGMDR10). Also called: Limb-girdle muscular dystrophy, type 2J; MUSCULAR DYSTROPHY, LIMB-GIRDLE, AUTOSOMAL RECESSIVE 10. Identifiers: Orphanet 140922, MedGen C1837342, MONDO:0012127, OMIM 608807.
Dilated cardiomyopathy 1G (CMD1G). Identifiers: Orphanet 154, MedGen C1858763, MONDO:0011400, OMIM 604145.

Submissions (2):

Women's Health and Genetics/Laboratory Corporation of America, LabCorp
Classification: Likely benign. Last evaluated: 2025-09-08. Review status: criteria provided, single submitter. Criteria: LabCorp Variant Classification Summary - May 2015. Collection method: clinical testing. Allele origin: germline.
Comment: Variant summary: TTN c.914+18_914+21delAGAG alters a nucleotide located at a position not widely known to affect splicing. Consensus agreement among computation tools predict no significant impact on normal splicing. However, these predictions have yet to be confirmed by functional studies. The variant allele was found at a frequency of 5e-06 in 1613820 control chromosomes. The available data on variant occurrences in the general population are insufficient to allow any conclusion about variant significance. To our knowledge, no occurrence of c.914+18_914+21delAGAG in individuals affected with TTN-related conditions and no experimental evidence demonstrating its impact on protein function have been reported. ClinVar contains an entry for this variant (Variation ID: 3762623). Based on the evidence outlined above, the variant was classified as likely benign.

Labcorp Genetics (formerly Invitae), Labcorp
Classification: Likely benign for Dilated cardiomyopathy 1G; Autosomal recessive limb-girdle muscular dystrophy type 2J. Last evaluated: 2025-06-22. Review status: criteria provided, single submitter. Criteria: Invitae Variant Classification Sherloc (09022015). Collection method: clinical testing. Allele origin: germline.